The following is an entry in ClinVar:

ClinVar aggregate classification (germline): Uncertain significance (1 of 4 stars; one submission).

Conditions:
Congenital cataract-microcephaly-nevus flammeus simplex-severe intellectual disability syndrome. Also called: Basel-Vanagaite-Smirin-Yosef syndrome. Identifiers: Orphanet 464738, MedGen C4225323, MONDO:0014643, OMIM 616449.

gnomAD v4.1: 1 of 1,612,240 alleles (0.000062%); highest among the groups gnomAD compares: Non-Finnish European, 0.000085%; no homozygotes.

Submission:

Juno Genomics, Hangzhou Juno Genomics, Inc
Classification: Uncertain significance for Congenital cataract-microcephaly-nevus flammeus simplex-severe intellectual disability syndrome. Review status: criteria provided, single submitter. Criteria: ACMG Guidelines, 2015. Collection method: clinical testing. Allele origin: germline.
Comment: Absent from controls (or at extremely low frequency if recessive) in Genome Aggregation Database.;Multiple lines of computational evidence support a deleterious effect on the gene or gene product.

NM_030973.4(MED25):c.670C>G (p.Arg224Gly)

Gene: MED25 (mediator complex subunit 25; plus strand). Cytogenetic location: 19q13.33.
Variant type: single nucleotide variant.
Coding change: c.670C>G on transcript NM_030973.4 (MANE Select); coding-DNA position 670, C replaced by G.
Protein change: p.Arg224Gly; replaces arginine 224 with glycine.
Molecular consequence: missense variant.
Genome position (GRCh38, 1-based): chr19:49,829,930, C>G. VCF-style: chr19-49829930-C-G. GRCh37 (hg19) VCF-style: chr19-50333187-C-G.
Other names: c.670C>G, p.Arg224Gly (NM_001378355.1); short protein forms R224G.
Identifiers: ClinVar variation 5006020 (VCV005006020.2).